The following is an entry in ClinVar:

NM_000038.6(APC):c.81A>G (p.Leu27=)

Gene: APC (APC regulator of Wnt signaling pathway; plus strand). Cytogenetic location: 5q22.2.
Variant type: single nucleotide variant.
Coding change: c.81A>G on transcript NM_000038.6 (MANE Select); coding-DNA position 81, A replaced by G.
Protein change: p.Leu27=; no amino-acid change (leucine 27 retained).
Molecular consequence: synonymous variant. On other transcripts: 5 prime UTR variant (1), intron variant (8).
Genome position (GRCh38, 1-based): chr5:112,754,971, A>G. VCF-style: chr5-112754971-A-G. GRCh37 (hg19) VCF-style: chr5-112090668-A-G.
Other names: c.81A>G, p.Leu27= (NM_001127510.3, NM_001354895.2, NM_001354896.2 and 2 more transcripts); c.-955A>G (NM_001354906.2); c.166-11355A>G (NM_001354897.2, NM_001354902.2, NM_001127511.3); c.61-11355A>G (NM_001354898.2, NM_001354904.2); c.-42-11355A>G (NM_001354900.2, NM_001354901.2, NM_001354905.2).
Identifiers: ClinVar variation 925276 (VCV000925276.15), dbSNP rs759312196, ClinGen allele CA050161.

ClinVar aggregate classification (germline): Benign/Likely benign. Review status: criteria provided, multiple submitters, no conflicts (2 of 4 stars). 6 submissions from 6 submitters: Benign (1); Likely benign (5). Last evaluated 2024-09-29.

Conditions:
Hereditary cancer-predisposing syndrome. Also called: Neoplastic Syndromes, Hereditary; Tumor predisposition; Hereditary Cancer Syndrome; Hereditary neoplastic syndrome. Identifiers: Orphanet 140162, MedGen C0027672, MeSH D009386, MONDO:0015356.
Classic or attenuated familial adenomatous polyposis. Identifiers: MedGen CN372698, MONDO:0021057.
Familial adenomatous polyposis 1 (FAP1). Also called: FAMILIAL ADENOMATOUS POLYPOSIS 1, ATTENUATED; POLYPOSIS, ADENOMATOUS INTESTINAL. Identifiers: MedGen C2713442, MONDO:0021056, OMIM 175100. Disease mechanism: loss of function.

Allele frequency attached by ClinVar (database versions not stated): TOPMed below 0.00001; gnomAD exomes 0.00001; ExAC 0.00002.

Submissions (6):

Labcorp Genetics (formerly Invitae), Labcorp
Classification: Likely benign for Familial adenomatous polyposis 1. Last evaluated: 2024-09-29. Review status: criteria provided, single submitter. Criteria: Invitae Variant Classification Sherloc (09022015). Collection method: clinical testing. Allele origin: germline.

All of Us Research Program, National Institutes of Health
Classification: Likely benign for Classic or attenuated familial adenomatous polyposis. Last evaluated: 2024-02-22. Review status: criteria provided, single submitter. Criteria: ACMG Guidelines, 2015. Collection method: clinical testing. Allele origin: germline. Inheritance: Autosomal dominant inheritance. Observed: 3 variant alleles, 3 heterozygotes.
Comment: This study involves interpretation of variants in research participants for the purpose of population health screening. Participant phenotype was not available at the time of variant classification. Additional details can be found in publication PMID: 35346344, PMCID: PMC8962531

Myriad Genetics, Inc.
Classification: Benign for Familial adenomatous polyposis 1. Last evaluated: 2024-02-22. Review status: criteria provided, single submitter. Criteria: Myriad Autosomal Dominant, Autosomal Recessive and X-Linked Classification Criteria (2023). Collection method: clinical testing. Allele origin: unknown.
Comment: This variant is considered benign. This variant is a silent/synonymous amino acid change and it is not expected to impact splicing.

ARUP Laboratories, Molecular Genetics and Genomics, ARUP Laboratories
Classification: Likely benign. Last evaluated: 2024-02-15. Review status: criteria provided, single submitter. Criteria: ARUP Molecular Germline Variant Investigation Process 2024. Collection method: clinical testing. Allele origin: germline.

Ambry Genetics
Classification: Likely benign for Hereditary cancer-predisposing syndrome. Last evaluated: 2020-11-09. Review status: criteria provided, single submitter. Criteria: Ambry Variant Classification Scheme 2023. Collection method: clinical testing. Allele origin: germline.

Color Diagnostics, LLC DBA Color Health
Classification: Likely benign for Hereditary cancer-predisposing syndrome. Last evaluated: 2020-04-06. Review status: criteria provided, single submitter. Criteria: ACMG Guidelines, 2015. Collection method: clinical testing. Allele origin: germline.